The following continues an entry in ClinVar:

NM_000059.4(BRCA2):c.8537_8538del (p.Glu2846fs)

Gene: BRCA2. ClinVar aggregate classification (germline): Pathogenic. Pathogenic (1).

Submissions 24 to 30 of 30:

Foulkes Cancer Genetics LDI, Lady Davis Institute for Medical Research
Classification: Pathogenic for Breast and/or ovarian cancer. Last evaluated: 2016-05-11. Review status: no assertion criteria provided. Collection method: clinical testing. Allele origin: germline. Study: The Canadian Open Genetics Repository (COGR). Not counted in ClinVar's aggregate classification.

Pathway Genomics
Classification: Pathogenic for Breast-ovarian cancer, familial 2. Last evaluated: 2014-07-24. Review status: no assertion criteria provided. Collection method: clinical testing. Allele origin: germline. Not counted in ClinVar's aggregate classification.

Research Molecular Genetics Laboratory, Women's College Hospital, University of Toronto
Classification: Pathogenic for Hereditary breast ovarian cancer syndrome. Last evaluated: 2014-01-31. Review status: no assertion criteria provided. Collection method: research. Allele origin: germline. Affected: yes. Study: The Canadian Open Genetics Repository (COGR). Not counted in ClinVar's aggregate classification.

Sharing Clinical Reports Project (SCRP)
Classification: Pathogenic for Breast-ovarian cancer, familial 2. Last evaluated: 2013-04-22. Review status: no assertion criteria provided. Collection method: clinical testing. Allele origin: germline. Not counted in ClinVar's aggregate classification.

Breast Cancer Information Core (BIC) (BRCA2)
Classification: Pathogenic for Breast-ovarian cancer, familial 2. Last evaluated: 2002-05-29. Review status: no assertion criteria provided. Collection method: clinical testing. Allele origin: germline, unknown. Affected: yes. Observed: 77 variant alleles. Not counted in ClinVar's aggregate classification.

OMIM
Classification: Pathogenic for BREAST-OVARIAN CANCER, FAMILIAL, SUSCEPTIBILITY TO, 2. Last evaluated: 1998-07-01. Review status: no assertion criteria provided. Collection method: literature only. Allele origin: germline. Not counted in ClinVar's aggregate classification.

Department of Pathology and Laboratory Medicine, Sinai Health System
Classification: Pathogenic for Malignant tumor of breast. Review status: no assertion criteria provided. Collection method: clinical testing. Allele origin: unknown. Affected: yes. Observed: 13 variant alleles. Study: The Canadian Open Genetics Repository (COGR). Not counted in ClinVar's aggregate classification.
Comment: The BRCA2 p.Glu2846GlyfsX22 variant was identified in 21 of 4958 proband chromosomes (frequency: 0.004) from individuals or families with breast and ovarian cancer (Phelan 1996, Zhang 2011, Machackova 2008, Pruss 2014, Seong M-W 2009, Tung 2016). The variant was also identified in the following databases: dbSNP (ID: rs80359714) as â€šÃ„ÃºWith Pathogenic alleleâ€šÃ„Ã¹, Clinvitae database (classified as pathogenic by ClinVar and Invitae), ARUP Laboratories BRCA Mutations Database (classification), the ClinVar database (classified as pathogenic by Invitae, Ambry genetics, GeneDx, LMMPHPM, QDNISJC, COGR, Pathway Genomics, BIC,OMIM, SCRP), COGR database (classified as pathogenic by a clinical laboratories MESHWCRI, LMM, CHEO, QUEENSU, NYG), the BIC database (76X with clinical importance), and UMD (16X with a causal classification). The variant was also identified in Exome Aggregation Consortium database (August 8, 2016) in the European population in 1 of 121324 chromosomes (freq. 0.000008). The variant occurs outside of the splicing consensus sequence and in silico or computational prediction software programs (SpliceSiteFinder, MaxEntScan, NNSPLICE, GeneSplicer, HumanSpliceFinder) do not predict a difference in splicing. The c.8537_8538del variant is predicted to cause a frameshift, which alters the protein's amino acid sequence beginning at codon 2846 and leads to a premature stop codon 22 codons downstream. This alteration is then predicted to result in a truncated or absent protein and loss of function. Loss of function variants of the BRCA2 gene are an established mechanism of disease in hereditary breast and ovarian cancer and is the type of variant expected to cause the disorder. In summary, based on the above information, this variant meets our laboratoryâ€šÃ„Ã´s criteria to be classified as pathogenic.

Literature cited by the submitters: PubMed 20104584 (cited by Labcorp Genetics (formerly Invitae), Labcorp); PubMed 8673090 (cited by 11 submitters); PubMed 21324516 (cited by 6 submitters); PubMed 22401979 (cited by 4 submitters); PubMed 9634522 (cited by 8 submitters); PubMed 9792861 (cited by 6 submitters); PubMed 11512557 (cited by 5 submitters); PubMed 15382066 (cited by Labcorp Genetics (formerly Invitae), Labcorp and Color Diagnostics, LLC DBA Color Health); PubMed 17640379 (cited by 8 submitters); PubMed 19619314 (cited by 3 submitters); PubMed 27603373 (cited by 4 submitters); PubMed 32341426 (cited by Quest Diagnostics Nichols Institute San Juan Capistrano and Ambry Genetics); PubMed 32467295 (cited by Quest Diagnostics Nichols Institute San Juan Capistrano); PubMed 32885271 (cited by 3 submitters); PubMed 30322717 (cited by 3 submitters); PubMed 29625052 (cited by Quest Diagnostics Nichols Institute San Juan Capistrano and AiLife Diagnostics); PubMed 29506128 (cited by 4 submitters); PubMed 25085752 (cited by 5 submitters); PubMed 30720243 (cited by Quest Diagnostics Nichols Institute San Juan Capistrano and AiLife Diagnostics); PubMed 29086229 (cited by 3 submitters); PubMed 28918466 (cited by Quest Diagnostics Nichols Institute San Juan Capistrano and Ambry Genetics); PubMed 23621881 (cited by 3 submitters); PubMed 37688579 (cited by Quest Diagnostics Nichols Institute San Juan Capistrano); PubMed 33471991 (cited by 3 submitters); PubMed 26295337 (cited by Quest Diagnostics Nichols Institute San Juan Capistrano); PubMed 16047344 (cited by 3 submitters); PubMed 18489799 (cited by 4 submitters); PubMed 25884701 (cited by Ambry Genetics); PubMed 33235458 (cited by Ambry Genetics); PubMed 28888541 (cited by Mayo Clinic Laboratories, Mayo Clinic); PubMed 32438681 (cited by Mayo Clinic Laboratories, Mayo Clinic); PubMed 33939675 (cited by Mayo Clinic Laboratories, Mayo Clinic); PubMed 15024741 (cited by Color Diagnostics, LLC DBA Color Health and Breast Cancer Information Core (BIC) (BRCA2)); PubMed 29446198 (cited by Color Diagnostics, LLC DBA Color Health); PubMed 31853058 (cited by Color Diagnostics, LLC DBA Color Health); PubMed 19656164 (cited by Department of Pathology and Laboratory Medicine, Sinai Health System); PubMed 26976419 (cited by Department of Pathology and Laboratory Medicine, Sinai Health System); PubMed 17591843 (cited by Laboratory for Molecular Medicine, Mass General Brigham Personalized Medicine and Pathway Genomics); PubMed 32295079 (cited by CZECANCA consortium); PubMed 23199084 (cited by Pathway Genomics).